The following is an entry in ClinVar:

NM_025099.6(CTC1):c.173G>A (p.Gly58Asp)

Gene: CTC1 (CST telomere replication complex component 1; minus strand). Cytogenetic location: 17p13.1.
Variant type: single nucleotide variant.
Coding change: c.173G>A on transcript NM_025099.6 (MANE Select); coding-DNA position 173, G replaced by A.
Protein change: p.Gly58Asp; replaces glycine 58 with aspartic acid.
Molecular consequence: missense variant. On other transcripts: non-coding transcript variant (1).
Genome position (GRCh38, 1-based): chr17:8,243,009, C>T on the plus strand (G>A on the coding strand, the complement: CTC1 is on the minus strand). VCF-style: chr17-8243009-C-T. GRCh37 (hg19) VCF-style: chr17-8146327-C-T.
Other names: short protein forms G58D.
Identifiers: ClinVar variation 854845 (VCV000854845.9), dbSNP rs1988400898, ClinGen allele CA397996132.

ClinVar aggregate classification (germline): Uncertain significance (1 of 4 stars; one submission).

Conditions:
Dyskeratosis congenita. Identifiers: Orphanet 1775, MedGen C0265965, MONDO:0015780.

Submission:

Labcorp Genetics (formerly Invitae), Labcorp
Classification: Uncertain significance for Dyskeratosis congenita. Last evaluated: 2022-02-18. Review status: criteria provided, single submitter. Criteria: Invitae Variant Classification Sherloc (09022015). Collection method: clinical testing. Allele origin: germline.
Comment: In summary, the available evidence is currently insufficient to determine the role of this variant in disease. Therefore, it has been classified as a Variant of Uncertain Significance. Algorithms developed to predict the effect of missense changes on protein structure and function output the following: SIFT: "Tolerated"; PolyPhen-2: "Benign"; Align-GVGD: "Class C0". The aspartic acid amino acid residue is found in multiple mammalian species, which suggests that this missense change does not adversely affect protein function. ClinVar contains an entry for this variant (Variation ID: 854845). This variant has not been reported in the literature in individuals affected with CTC1-related conditions. This variant is not present in population databases (gnomAD no frequency). This sequence change replaces glycine, which is neutral and non-polar, with aspartic acid, which is acidic and polar, at codon 58 of the CTC1 protein (p.Gly58Asp).